The following is an entry in ClinVar:

ClinVar aggregate classification (germline): Uncertain significance. Review status: criteria provided, multiple submitters, no conflicts (2 of 4 stars). 2 submissions from 2 submitters: Uncertain significance (2). Last evaluated 2025-06-07.

Allele frequency attached by ClinVar (database versions not stated): gnomAD 0.00001; gnomAD exomes 0.00001; TOPMed 0.00002; ExAC 0.00001.
gnomAD v4.1: 15 of 1,614,026 alleles (0.00093%); highest among the groups gnomAD compares: East Asian, 0.0022%; no homozygotes.

Submissions (2):

Ambry Genetics
Classification: Uncertain significance. Last evaluated: 2025-06-07. Review status: criteria provided, single submitter. Criteria: Ambry Variant Classification Scheme 2023. Collection method: clinical testing. Allele origin: germline.

Labcorp Genetics (formerly Invitae), Labcorp
Classification: Uncertain significance. Last evaluated: 2021-05-17. Review status: criteria provided, single submitter. Criteria: Invitae Variant Classification Sherloc (09022015). Collection method: clinical testing. Allele origin: germline.
Comment: In summary, the available evidence is currently insufficient to determine the role of this variant in disease. Therefore, it has been classified as a Variant of Uncertain Significance. Algorithms developed to predict the effect of missense changes on protein structure and function output the following: SIFT: "Deleterious"; PolyPhen-2: "Benign"; Align-GVGD: "Class C0". The tryptophan amino acid residue is found in multiple mammalian species, suggesting that this missense change does not adversely affect protein function. These predictions have not been confirmed by published functional studies and their clinical significance is uncertain. This variant has not been reported in the literature in individuals with CLCC1-related conditions. This variant is present in population databases (rs747968236, ExAC 0.002%). This sequence change replaces arginine with tryptophan at codon 381 of the CLCC1 protein (p.Arg381Trp). The arginine residue is moderately conserved and there is a moderate physicochemical difference between arginine and tryptophan.

NM_001377458.1(CLCC1):c.1141C>T (p.Arg381Trp)

Gene: CLCC1 (chloride channel CLIC like 1; minus strand). Cytogenetic location: 1p13.3.
Variant type: single nucleotide variant.
Coding change: c.1141C>T on transcript NM_001377458.1 (MANE Select); coding-DNA position 1141, C replaced by T.
Protein change: p.Arg381Trp; replaces arginine 381 with tryptophan.
Molecular consequence: missense variant. On other transcripts: non-coding transcript variant (1).
Genome position (GRCh38, 1-based): chr1:108,937,319, G>A on the plus strand (C>T on the coding strand, the complement: CLCC1 is on the minus strand). VCF-style: chr1-108937319-G-A. GRCh37 (hg19) VCF-style: chr1-109479941-G-A.
Other names: c.1141C>T, p.Arg381Trp (NM_001377459.1, NM_001377460.1, NM_001377461.1 and 8 more transcripts); c.1039C>T, p.Arg347Trp (NM_001377469.1); c.850C>T, p.Arg284Trp (NM_001377470.1); c.991C>T, p.Arg331Trp (NM_015127.5); c.1141C>T (NM_001048210.1); c.778C>T, p.Arg260Trp (NM_001278202.2); c.586C>T, p.Arg196Trp (NM_001278203.1); short protein forms R196W, R260W, R331W, R381W, R347W, R284W.
Identifiers: ClinVar variation 1503000 (VCV001503000.9), dbSNP rs747968236, ClinGen allele CA983386.